The following is an entry in ClinVar:

ClinVar aggregate classification (germline): Uncertain significance (1 of 4 stars; one submission).

Allele frequency attached by ClinVar (database versions not stated): TOPMed below 0.00001.
gnomAD v4.1: 1 of 1,614,170 alleles (0.000062%); highest among the groups gnomAD compares: Non-Finnish European, 0.000085%; no homozygotes.

Submission:

Ambry Genetics
Classification: Uncertain significance. Last evaluated: 2023-08-29. Review status: criteria provided, single submitter. Criteria: Ambry Variant Classification Scheme 2023. Collection method: clinical testing. Allele origin: germline.
Comment: The p.L1738P variant (also known as c.5213T>C), located in coding exon 4 of the ALPK2 gene, results from a T to C substitution at nucleotide position 5213. The leucine at codon 1738 is replaced by proline, an amino acid with similar properties. This amino acid position is conserved. In addition, the in silico prediction for this alteration is inconclusive. Since supporting evidence is limited at this time, the clinical significance of this alteration remains unclear.

NM_052947.4(ALPK2):c.5213T>C (p.Leu1738Pro)

Genes: ALPK2 (alpha kinase 2; minus strand), LOC130062577 (ATAC-STARR-seq lymphoblastoid active region 13389; plus strand). Cytogenetic location: 18q21.31.
Variant type: single nucleotide variant.
Coding change: c.5213T>C on transcript NM_052947.4 (MANE Select); coding-DNA position 5213, T replaced by C.
Protein change: p.Leu1738Pro; replaces leucine 1738 with proline.
Molecular consequence: missense variant.
Genome position (GRCh38, 1-based): chr18:58,534,974, A>G on the plus strand (T>C on the coding strand, the complement: ALPK2 is on the minus strand). VCF-style: chr18-58534974-A-G. GRCh37 (hg19) VCF-style: chr18-56202206-A-G.
Other names: short protein forms L1738P.
Identifiers: ClinVar variation 1746123 (VCV001746123.3), dbSNP rs2051635449, ClinGen allele CA402557532.